The following is an entry in ClinVar:

NM_001040108.2(MLH3):c.4172T>C (p.Phe1391Ser)

Gene: MLH3 (mutL homolog 3; minus strand). Cytogenetic location: 14q24.3.
Variant type: single nucleotide variant.
Coding change: c.4172T>C on transcript NM_001040108.2 (MANE Select); coding-DNA position 4172, T replaced by C.
Protein change: p.Phe1391Ser; replaces phenylalanine 1391 with serine.
Molecular consequence: missense variant.
Genome position (GRCh38, 1-based): chr14:75,018,899, A>G on the plus strand (T>C on the coding strand, the complement: MLH3 is on the minus strand). VCF-style: chr14-75018899-A-G. GRCh37 (hg19) VCF-style: chr14-75485602-A-G.
Other names: c.4100T>C, p.Phe1367Ser (NM_014381.3); short protein forms F1367S, F1391S.
Identifiers: ClinVar variation 4108603 (VCV004108603.1).

ClinVar aggregate classification (germline): Uncertain significance (1 of 4 stars; one submission).

Submission:

Ambry Genetics
Classification: Uncertain significance. Last evaluated: 2025-09-07. Review status: criteria provided, single submitter. Criteria: Ambry Variant Classification Scheme 2023. Collection method: clinical testing. Allele origin: germline.
Comment: The p.F1391S variant (also known as c.4172T>C), located in coding exon 11 of the MLH3 gene, results from a T to C substitution at nucleotide position 4172. The phenylalanine at codon 1391 is replaced by serine, an amino acid with highly dissimilar properties. This amino acid position is conserved. In addition, this alteration is predicted to be deleterious by in silico analysis. Based on the available evidence, the clinical significance of this variant remains unclear.